The following is an entry in ClinVar:

NM_020699.4(GATAD2B):c.105G>C (p.Glu35Asp)

Gene: GATAD2B (GATA zinc finger domain containing 2B; minus strand). Cytogenetic location: 1q21.3.
Variant type: single nucleotide variant.
Coding change: c.105G>C on transcript NM_020699.4 (MANE Select); coding-DNA position 105, G replaced by C.
Protein change: p.Glu35Asp; replaces glutamic acid 35 with aspartic acid.
Molecular consequence: missense variant.
Genome position (GRCh38, 1-based): chr1:153,828,243, C>G on the plus strand (G>C on the coding strand, the complement: GATAD2B is on the minus strand). VCF-style: chr1-153828243-C-G. GRCh37 (hg19) VCF-style: chr1-153800719-C-G.
Other names: short protein forms E35D.
Identifiers: ClinVar variation 2134799 (VCV002134799.4), dbSNP rs2525291858, ClinGen allele CA342541547.

ClinVar aggregate classification (germline): Uncertain significance (1 of 4 stars; one submission).

Submission:

Labcorp Genetics (formerly Invitae), Labcorp
Classification: Uncertain significance. Last evaluated: 2022-05-06. Review status: criteria provided, single submitter. Criteria: Invitae Variant Classification Sherloc (09022015). Collection method: clinical testing. Allele origin: germline.
Comment: This variant has not been reported in the literature in individuals affected with GATAD2B-related conditions. Algorithms developed to predict the effect of missense changes on protein structure and function are either unavailable or do not agree on the potential impact of this missense change (SIFT: "Not Available"; PolyPhen-2: "Benign"; Align-GVGD: "Not Available"). In summary, the available evidence is currently insufficient to determine the role of this variant in disease. Therefore, it has been classified as a Variant of Uncertain Significance. This variant is not present in population databases (gnomAD no frequency). This sequence change replaces glutamic acid, which is acidic and polar, with aspartic acid, which is acidic and polar, at codon 35 of the GATAD2B protein (p.Glu35Asp).